The following is an entry in ClinVar:

NM_000293.3(PHKB):c.536T>C (p.Leu179Pro)

Gene: PHKB (phosphorylase kinase regulatory subunit beta; plus strand). Cytogenetic location: 16q12.1.
Variant type: single nucleotide variant.
Coding change: c.536T>C on transcript NM_000293.3 (MANE Select); coding-DNA position 536, T replaced by C.
Protein change: p.Leu179Pro; replaces leucine 179 with proline.
Molecular consequence: missense variant.
Genome position (GRCh38, 1-based): chr16:47,515,543, T>C. VCF-style: chr16-47515543-T-C. GRCh37 (hg19) VCF-style: chr16-47549454-T-C.
Other names: c.515T>C, p.Leu172Pro (NM_001031835.3); c.536T>C, p.Leu179Pro (NM_001363837.1); short protein forms L172P, L179P.
Identifiers: ClinVar variation 3667518 (VCV003667518.2).

ClinVar aggregate classification (germline): Uncertain significance (1 of 4 stars; one submission).

Conditions:
Glycogen storage disease IXb (GSD9B). Also called: PHOSPHORYLASE KINASE DEFICIENCY OF LIVER AND MUSCLE, AUTOSOMAL RECESSIVE; GLYCOGENOSIS OF LIVER AND MUSCLE, AUTOSOMAL RECESSIVE; GSD IXb. Identifiers: Orphanet 79240, MedGen C0543514, MONDO:0009868, OMIM 261750.

Submission:

Labcorp Genetics (formerly Invitae), Labcorp
Classification: Uncertain significance for Glycogen storage disease IXb. Last evaluated: 2024-12-17. Review status: criteria provided, single submitter. Criteria: Invitae Variant Classification Sherloc (09022015). Collection method: clinical testing. Allele origin: germline.
Comment: This sequence change replaces leucine, which is neutral and non-polar, with proline, which is neutral and non-polar, at codon 179 of the PHKB protein (p.Leu179Pro). This variant is present in population databases (no rsID available, gnomAD 0.006%). This variant has not been reported in the literature in individuals affected with PHKB-related conditions. An algorithm developed to predict the effect of missense changes on protein structure and function (PolyPhen-2) suggests that this variant is likely to be disruptive. In summary, the available evidence is currently insufficient to determine the role of this variant in disease. Therefore, it has been classified as a Variant of Uncertain Significance.